The following is an entry in ClinVar:

NM_007347.5(AP4E1):c.2407A>G (p.Lys803Glu)

Gene: AP4E1 (adaptor related protein complex 4 subunit epsilon 1; plus strand). Cytogenetic location: 15q21.2.
Variant type: single nucleotide variant.
Coding change: c.2407A>G on transcript NM_007347.5 (MANE Select); coding-DNA position 2407, A replaced by G.
Protein change: p.Lys803Glu; replaces lysine 803 with glutamic acid.
Molecular consequence: missense variant.
Genome position (GRCh38, 1-based): chr15:50,997,386, A>G. VCF-style: chr15-50997386-A-G. GRCh37 (hg19) VCF-style: chr15-51289583-A-G.
Other names: c.2182A>G, p.Lys728Glu (NM_001252127.2); c.2407A>G (NM_007347.3); short protein forms K803E, K728E.
Identifiers: ClinVar variation 1495645 (VCV001495645.4), dbSNP rs781254112, ClinGen allele CA7559322.

ClinVar aggregate classification (germline): Uncertain significance. Review status: criteria provided, multiple submitters, no conflicts (2 of 4 stars). 2 submissions from 2 submitters: Uncertain significance (2). Last evaluated 2024-05-10.

Conditions:
Inborn genetic diseases. Identifiers: MedGen C0950123, MeSH D030342.
Spastic paraplegia. Identifiers: MedGen C0037772, HP:0001258.

Allele frequency attached by ClinVar (database versions not stated): gnomAD exomes below 0.00001; ExAC 0.00001; gnomAD 0.00002; TOPMed 0.00002.
gnomAD v4.1: 8 of 1,606,210 alleles (0.0005%); highest among the groups gnomAD compares: African/African-American, 0.0081%; no homozygotes.

Submissions (2):

Ambry Genetics
Classification: Uncertain significance for Inborn genetic diseases. Last evaluated: 2024-05-10. Review status: criteria provided, single submitter. Criteria: Ambry Variant Classification Scheme 2023. Collection method: clinical testing. Allele origin: germline.

Labcorp Genetics (formerly Invitae), Labcorp
Classification: Uncertain significance for Spastic paraplegia. Last evaluated: 2021-10-05. Review status: criteria provided, single submitter. Criteria: Invitae Variant Classification Sherloc (09022015). Collection method: clinical testing. Allele origin: germline.
Comment: This sequence change replaces lysine with glutamic acid at codon 803 of the AP4E1 protein (p.Lys803Glu). The lysine residue is weakly conserved and there is a small physicochemical difference between lysine and glutamic acid. This variant is present in population databases (rs781254112, ExAC 0.01%). This variant has not been reported in the literature in individuals affected with AP4E1-related conditions. Algorithms developed to predict the effect of missense changes on protein structure and function (SIFT, PolyPhen-2, Align-GVGD) all suggest that this variant is likely to be tolerated. In summary, the available evidence is currently insufficient to determine the role of this variant in disease. Therefore, it has been classified as a Variant of Uncertain Significance.